The following is an entry in ClinVar:

ClinVar aggregate classification (germline): Uncertain significance. Review status: criteria provided, multiple submitters, no conflicts (2 of 4 stars). 3 submissions from 3 submitters: Uncertain significance (3). Last evaluated 2026-07-06.

Conditions:
Tuberous sclerosis 1 (TSC1). Identifiers: Orphanet 805, MedGen C1854465, MONDO:0008612, OMIM 191100.
Hereditary cancer-predisposing syndrome. Also called: Tumor predisposition; Hereditary neoplastic syndrome; Neoplastic Syndromes, Hereditary; Hereditary Cancer Syndrome. Identifiers: Orphanet 140162, MedGen C0027672, MeSH D009386, MONDO:0015356.

Submissions (3):

Ambry Genetics
Classification: Uncertain significance for Hereditary cancer-predisposing syndrome. Last evaluated: 2026-07-06. Review status: criteria provided, single submitter. Criteria: Ambry Variant Classification Scheme 2023. Collection method: clinical testing. Allele origin: germline.
Comment: The p.G20A variant (also known as c.59G>C), located in coding exon 1 of the TSC1 gene, results from a G to C substitution at nucleotide position 59. The glycine at codon 20 is replaced by alanine, an amino acid with similar properties. This amino acid position is conserved. In addition, this alteration is predicted to be tolerated by in silico analysis. Based on the available evidence, the clinical significance of this variant remains unclear.

GeneDx
Classification: Uncertain significance. Last evaluated: 2022-10-19. Review status: criteria provided, single submitter. Criteria: GeneDx Variant Classification Process June 2021. Collection method: clinical testing. Allele origin: germline. Affected: yes.
Comment: Not observed at significant frequency in large population cohorts (gnomAD); In silico analysis supports that this missense variant does not alter protein structure/function; Has not been previously published as pathogenic or benign to our knowledge

Labcorp Genetics (formerly Invitae), Labcorp
Classification: Uncertain significance for Tuberous sclerosis 1. Last evaluated: 2022-08-04. Review status: criteria provided, single submitter. Criteria: Invitae Variant Classification Sherloc (09022015). Collection method: clinical testing. Allele origin: germline.
Comment: In summary, the available evidence is currently insufficient to determine the role of this variant in disease. Therefore, it has been classified as a Variant of Uncertain Significance. Algorithms developed to predict the effect of missense changes on protein structure and function output the following: SIFT: "Tolerated"; PolyPhen-2: "Benign"; Align-GVGD: "Class C0". The alanine amino acid residue is found in multiple mammalian species, which suggests that this missense change does not adversely affect protein function. This variant has not been reported in the literature in individuals affected with TSC1-related conditions. This variant is not present in population databases (gnomAD no frequency). This sequence change replaces glycine, which is neutral and non-polar, with alanine, which is neutral and non-polar, at codon 20 of the TSC1 protein (p.Gly20Ala).

NM_000368.5(TSC1):c.59G>C (p.Gly20Ala)

Gene: TSC1 (TSC complex subunit 1; minus strand). Cytogenetic location: 9q34.13.
Variant type: single nucleotide variant.
Coding change: c.59G>C on transcript NM_000368.5 (MANE Select); coding-DNA position 59, G replaced by C.
Protein change: p.Gly20Ala; replaces glycine 20 with alanine.
Molecular consequence: missense variant. On other transcripts: 5 prime UTR variant (1).
Genome position (GRCh38, 1-based): chr9:132,928,814, C>G on the plus strand (G>C on the coding strand, the complement: TSC1 is on the minus strand). VCF-style: chr9-132928814-C-G. GRCh37 (hg19) VCF-style: chr9-135804201-C-G.
Other names: c.59G>C, p.Gly20Ala (NM_001162426.2, NM_001162427.2, NM_001406592.1 and 21 more transcripts); c.-201G>C (NM_001362177.2, NM_001406617.1, NM_001406619.1 and 3 more transcripts); c.-293G>C (NM_001406614.1); c.-430G>C (NM_001406615.1, NM_001406623.1); c.-397G>C (NM_001406616.1, NM_001406624.1); c.-819G>C (NM_001406626.1, NM_001406627.1, NM_001406628.1); c.-961G>C (NM_001406629.1); c.-1035G>C (NM_001406630.1); short protein forms G20A.
Identifiers: ClinVar variation 1714994 (VCV001714994.7), dbSNP rs2132295150, ClinGen allele CA375375353.